The following is an entry in ClinVar:

ClinVar aggregate classification (germline): Uncertain significance. Review status: criteria provided, multiple submitters, no conflicts (2 of 4 stars). 2 submissions from 2 submitters: Uncertain significance (2). Last evaluated 2024-01-04.

Conditions:
Inborn genetic diseases. Identifiers: MedGen C0950123, MeSH D030342.

Allele frequency attached by ClinVar (database versions not stated): gnomAD exomes below 0.00001 and 0.00002; TOPMed below 0.00001; ExAC 0.00001.
gnomAD v4.1: 7 of 1,614,002 alleles (0.00043%); highest among the groups gnomAD compares: Admixed American, 0.0067%; no homozygotes.

Submissions (2):

Ambry Genetics
Classification: Uncertain significance for Inborn genetic diseases. Last evaluated: 2024-01-04. Review status: criteria provided, single submitter. Criteria: Ambry Variant Classification Scheme 2023. Collection method: clinical testing. Allele origin: germline.

Labcorp Genetics (formerly Invitae), Labcorp
Classification: Uncertain significance. Last evaluated: 2023-11-27. Review status: criteria provided, single submitter. Criteria: Invitae Variant Classification Sherloc (09022015). Collection method: clinical testing. Allele origin: germline.
Comment: This sequence change replaces isoleucine, which is neutral and non-polar, with asparagine, which is neutral and polar, at codon 455 of the TRAF3IP1 protein (p.Ile455Asn). This variant is present in population databases (rs753737155, gnomAD 0.01%). This variant has not been reported in the literature in individuals affected with TRAF3IP1-related conditions. ClinVar contains an entry for this variant (Variation ID: 1492145). Advanced modeling of protein sequence and biophysical properties (such as structural, functional, and spatial information, amino acid conservation, physicochemical variation, residue mobility, and thermodynamic stability) performed at Invitae indicates that this missense variant is not expected to disrupt TRAF3IP1 protein function with a negative predictive value of 80%. In summary, the available evidence is currently insufficient to determine the role of this variant in disease. Therefore, it has been classified as a Variant of Uncertain Significance.

NM_015650.4(TRAF3IP1):c.1364T>A (p.Ile455Asn)

Gene: TRAF3IP1 (TRAF3 interacting protein 1; plus strand). Cytogenetic location: 2q37.3.
Variant type: single nucleotide variant.
Coding change: c.1364T>A on transcript NM_015650.4 (MANE Select); coding-DNA position 1364, T replaced by A.
Protein change: p.Ile455Asn; replaces isoleucine 455 with asparagine.
Molecular consequence: missense variant.
Genome position (GRCh38, 1-based): chr2:238,348,845, T>A. VCF-style: chr2-238348845-T-A. GRCh37 (hg19) VCF-style: chr2-239257486-T-A.
Other names: c.1166T>A, p.Ile389Asn (NM_001139490.1); c.1364T>A (NM_015650.3); short protein forms I389N, I455N.
Identifiers: ClinVar variation 1492145 (VCV001492145.6), dbSNP rs753737155, ClinGen allele CA2198417.